The following is an entry in ClinVar:

ClinVar aggregate classification (germline): Uncertain significance. Review status: criteria provided, multiple submitters, no conflicts (2 of 4 stars). 4 submissions from 4 submitters: Uncertain significance (3). 1 of the submissions does not count toward it. Last evaluated 2025-06-23.

Conditions:
Heinz body anemia. Also called: Heinz body hemolytic anemia. Identifiers: Orphanet 178330, MedGen C0700299, MONDO:0007705, OMIM 140700, HP:0005511.
Hb SS disease (SCD). Also called: Hemoglobin SS; Sickle cell anemia; Sickle cell disease; HbS disease; Hemoglobin S Disease; Sickling disorder due to hemoglobin S. Identifiers: Orphanet 232, Orphanet 275752, MedGen C0002895, MONDO:0011382, OMIM 603903.
alpha Thalassemia. Also called: Alpha thalassemia spectrum. Identifiers: Orphanet 846, MedGen C0002312, MONDO:0011399, OMIM 604131.
METHEMOGLOBINEMIA, BETA TYPE. Also called: Methemoglobinemia, beta-globin type. Identifiers: MedGen C1840779, OMIM 617971.
Hereditary persistence of fetal hemoglobin. Identifiers: MedGen C0019025, MONDO:0020989, OMIM 141749.
Beta-thalassemia HBB/LCRB. Identifiers: MedGen CN322236, MONDO:0013517, OMIM 613985.
Dominant beta-thalassemia. Also called: Beta-thalassemia, dominant inclusion body type. Identifiers: Orphanet 231226, Orphanet 848, MedGen C1858990, MONDO:0011381, OMIM 603902.
Malaria, susceptibility to. Identifiers: Orphanet 673, MedGen C1970028, MONDO:0021024, OMIM 611162.
Erythrocytosis, familial, 6. Also called: ERYTHROCYTOSIS, BETA-GLOBIN TYPE; POLYCYTHEMIA, BETA-GLOBIN TYPE. Identifiers: MedGen C4693822, MONDO:0054801, OMIM 617980.
beta Thalassemia (BTHAL). Also called: Cooley's anemia; Erythroblastic anemia; Mediterranean anemia. Identifiers: Orphanet 848, MedGen C0005283, MONDO:0019402. Disease mechanism: loss of function.

Allele frequency attached by ClinVar (database versions not stated): TOPMed 0.00001; gnomAD 0.00001.

Submissions (4):

ARUP Laboratories, Molecular Genetics and Genomics, ARUP Laboratories
Classification: Uncertain significance. Last evaluated: 2025-06-23. Review status: criteria provided, single submitter. Criteria: ARUP Molecular Germline Variant Investigation Process 2024. Collection method: clinical testing. Allele origin: germline.
Comment: The Hb Austin variant (HBB: c.123G>T; p.Arg41Ser, also known as Arg40Ser when numbered from the mature protein, rs33918778, HbVar ID: 311) is reported in the literature in the heterozygous state in multiple individuals of Mexican ancestry with no clinical symptoms (HbVar and references therein, Racsa 2014, Moo-Penn 1977). However, the phenotype of this variant in the presence of other globin variants is unknown. Functional characterization indicate that the variant hemoglobin has normal Bohr effect, increased oxygen affinity, reduced cooperativity, and found to dissociate into oxyHb dimers (HbVar and references therein). The c.123G>T variant is reported in ClinVar (Variation ID: 439134). It is absent from the Genome Aggregation Database (v2.1.1), indicating it is not a common polymorphism. Computational analyses predict that this variant is deleterious (REVEL: 0.9). Due to the limited information regarding this variant, its clinical significance is uncertain at this time. References: Link to HbVar database: Racsa LD et al. Beta-Globin gene sequencing of hemoglobin Austin revises the historically reported electrophoretic migration pattern. Arch Pathol Lab Med. 2014 Jun;138(6):819-22. PMID: 24878022. Moo-Penn WF et al. Hemoglobins Austin and Waco: two hemoglobins with substitutions in the alpha 1 beta 2 contact region. Arch Biochem Biophys. 1977 Feb;179(1):86-94. doi: 10.1016/0003-9861(77)90089-3. PMID: 14597.

Quest Diagnostics Nichols Institute San Juan Capistrano
Classification: Uncertain significance. Last evaluated: 2024-04-24. Review status: criteria provided, single submitter. Criteria: Quest Diagnostics criteria. Collection method: clinical testing. Allele origin: unknown.
Comment: The HBB c.123G>T (p.Arg41Ser) variant (also known as Hb Austin) has been reported in the published literature to have normal stability and increased oxygen affinity, and individuals heterozygous for this variant have a normal clinical presentation (HbVar and PMID: 24878022 (2014)). Analysis of this variant using bioinformatics tools for the prediction of the effect of amino acid changes on protein structure and function yielded predictions that this variant is damaging. Based on the available information, we are unable to determine the clinical significance of this variant.

Fulgent Genetics
Classification: Uncertain significance for Heinz body anemia; Hereditary persistence of fetal hemoglobin; Dominant beta-thalassemia; Hb SS disease; alpha Thalassemia; Malaria, susceptibility to; Beta-thalassemia HBB/LCRB; METHEMOGLOBINEMIA, BETA TYPE; Erythrocytosis, familial, 6. Last evaluated: 2021-12-28. Review status: criteria provided, single submitter. Criteria: ACMG Guidelines, 2015. Collection method: clinical testing. Allele origin: unknown.

Natera, Inc.
Classification: Uncertain significance for Beta thalassemia. Last evaluated: 2020-09-16. Review status: no assertion criteria provided. Collection method: clinical testing. Allele origin: germline. Not counted in ClinVar's aggregate classification.

Literature cited by the submitters: PubMed 26524961 (cited by Quest Diagnostics Nichols Institute San Juan Capistrano); PubMed 24878022 (cited by Quest Diagnostics Nichols Institute San Juan Capistrano); PubMed 31397596 (cited by Quest Diagnostics Nichols Institute San Juan Capistrano).

NM_000518.5(HBB):c.123G>T (p.Arg41Ser)

Genes: HBB (hemoglobin subunit beta; minus strand), LOC106099062 (HBB recombination region; plus strand), LOC107133510 (origin of replication at HBB; plus strand). Cytogenetic location: 11p15.4.
Variant type: single nucleotide variant.
Coding change: c.123G>T on transcript NM_000518.5 (MANE Select); coding-DNA position 123, G replaced by T.
Protein change: p.Arg41Ser; replaces arginine 41 with serine.
Molecular consequence: missense variant.
Genome position (GRCh38, 1-based): chr11:5,226,769, C>A on the plus strand (G>T on the coding strand, the complement: HBB is on the minus strand). VCF-style: chr11-5226769-C-A. GRCh37 (hg19) VCF-style: chr11-5247999-C-A.
Other names: short protein forms R41S.
Identifiers: ClinVar variation 439134 (VCV000439134.22), dbSNP rs33918778, ClinGen allele CA217114512.